The following is an entry in ClinVar:

ClinVar aggregate classification (germline): Uncertain significance (1 of 4 stars; one submission).

Conditions:
TUBGCP4-related disorder. Also called: TUBGCP4-related condition.

Submission:

PreventionGenetics, part of Exact Sciences
Classification: Uncertain significance for TUBGCP4-related condition. Last evaluated: 2026-07-17. Review status: criteria provided, single submitter. Criteria: ACMG Guidelines, 2015. Collection method: clinical testing. Allele origin: germline.
Comment: The TUBGCP4 c.1215A>T variant is not predicted to result in an amino acid change (p.=). This variant is predicted to impact splicing based on splicing prediction programs (SpliceAI, Jaganathan et al. 2019. PubMed ID: 30661751). However, the use of computer prediction programs is not equivalent to functional evidence. To our knowledge, this variant has not been reported in the literature or in a large population database (gnomAD), indicating this variant is rare. At this time, the clinical significance of this variant is uncertain due to the absence of conclusive functional and genetic evidence.

NM_014444.5(TUBGCP4):c.1215A>T (p.Leu405=)

Gene: TUBGCP4 (tubulin gamma complex component 4; plus strand). Cytogenetic location: 15q15.3.
Variant type: single nucleotide variant.
Coding change: c.1215A>T on transcript NM_014444.5 (MANE Select); coding-DNA position 1215, A replaced by T.
Protein change: p.Leu405=; no amino-acid change (leucine 405 retained).
Molecular consequence: synonymous variant.
Genome position (GRCh38, 1-based): chr15:43,397,257, A>T. VCF-style: chr15-43397257-A-T. GRCh37 (hg19) VCF-style: chr15-43689455-A-T.
Other names: c.1215A>T, p.Leu405= (NM_001286414.3).
Identifiers: ClinVar variation 4996298 (VCV004996298.1).